The following is an entry in ClinVar:

NM_024642.5(GALNT12):c.1056T>G (p.Val352=)

Gene: GALNT12 (polypeptide N-acetylgalactosaminyltransferase 12; plus strand). Cytogenetic location: 9q22.33.
Variant type: single nucleotide variant.
Coding change: c.1056T>G on transcript NM_024642.5 (MANE Select); coding-DNA position 1056, T replaced by G.
Protein change: p.Val352=; no amino-acid change (valine 352 retained).
Molecular consequence: synonymous variant.
Genome position (GRCh38, 1-based): chr9:98,836,992, T>G. VCF-style: chr9-98836992-T-G. GRCh37 (hg19) VCF-style: chr9-101599274-T-G.
Identifiers: ClinVar variation 4875781 (VCV004875781.1).
Genomic context (GRCh38, chr9:98,836,992, plus strand): 5'-CCCTGCTCACCACCTGGCCTCTCCTTTTCTCTGTGTGCAGATCTGGCAGTGTGGTGGGGT[T>G]CTGGAAACACACCCATGTTCCCATGTTGGCCATGTTTTCCCCAAGCAAGCTCCCTACTCC-3'
Protein context (NP_078918.3, residues 342-362): FSFRIWQCGG[Val352=]LETHPCSHVG

ClinVar aggregate classification (germline): Benign (1 of 4 stars; one submission).

Conditions:
Colorectal cancer, susceptibility to, 1. Also called: COLORECTAL ADENOMA AND CANCER, SUSCEPTIBILITY TO; COLORECTAL CANCER, SUSCEPTIBILITY TO, ON CHROMOSOME 9. Identifiers: MedGen C1837315, MONDO:0012132, OMIM 608812.

Submission:

Myriad Genetics, Inc.
Classification: Benign for Colorectal cancer, susceptibility to, 1. Last evaluated: 2026-04-24. Review status: criteria provided, single submitter. Criteria: Myriad Autosomal Dominant, Autosomal Recessive and X-Linked Classification Criteria (2023). Collection method: clinical testing. Allele origin: unknown.
Comment: This variant is considered benign. This variant is a silent/synonymous amino acid change and it is not expected to impact splicing.